The following is an entry in ClinVar:

ClinVar aggregate classification (germline): Likely benign (1 of 4 stars; one submission).

gnomAD v4.1: 11 of 1,613,564 alleles (0.00068%); highest among the groups gnomAD compares: Admixed American, 0.0083%; no homozygotes.

Submission:

CeGaT Center for Human Genetics Tuebingen
Classification: Likely benign. Last evaluated: 2026-08-01. Review status: criteria provided, single submitter. Criteria: CeGaT Center For Human Genetics Tuebingen Variant Classification Criteria Version 2. Collection method: clinical testing. Allele origin: germline. Affected: yes. Observed: 1 variant allele.
Comment: CUX1: BS2

NM_181552.4(CUX1):c.897C>G (p.Ile299Met)

Gene: CUX1 (cut like homeobox 1; plus strand). Cytogenetic location: 7q22.1.
Variant type: single nucleotide variant.
Coding change: c.897C>G on transcript NM_181552.4 (MANE Select); coding-DNA position 897, C replaced by G.
Protein change: p.Ile299Met; replaces isoleucine 299 with methionine.
Molecular consequence: missense variant.
Genome position (GRCh38, 1-based): chr7:102,178,537, C>G. VCF-style: chr7-102178537-C-G. GRCh37 (hg19) VCF-style: chr7-101821817-C-G.
Other names: c.930C>G, p.Ile310Met (NM_001202543.2, NM_001913.5); c.882C>G, p.Ile294Met (NM_001202544.3); c.792C>G, p.Ile264Met (NM_001202545.3); c.813C>G, p.Ile271Met (NM_001202546.3); c.924C>G, p.Ile308Met (NM_181500.4); short protein forms I264M, I271M, I294M, I299M, I308M, I310M.
Identifiers: ClinVar variation 5040440 (VCV005040440.1).
Genomic context (GRCh38, chr7:102,178,537, plus strand): 5'-CATAGAGGTGCTGACCCGCTCCAGCCTAGAAGTTGAGTTGGCCGCCAAGGAGCGGGAGAT[C>G]GCACAGCTGGTGGAGGACGTGCAGAGACTCCAGGCCAGCCTCACCAAGCTGCGGGAGAAT-3'
Protein context (NP_853530.2, residues 289-309): EVELAAKERE[Ile299Met]AQLVEDVQRL